The following is an entry in ClinVar:

ClinVar aggregate classification (germline): Pathogenic (1 of 4 stars; one submission).

Conditions:
Aniridia 1 (AN1). Identifiers: Orphanet 250923, MedGen C0344542, MONDO:0024507, OMIM 106210.
Irido-corneo-trabecular dysgenesis (ASGD5). Also called: ANTERIOR SEGMENT DYSGENESIS 5. Identifiers: Orphanet 708, MedGen C0344559, MONDO:0011414, OMIM 604229, HP:0000659.

Submission:

Labcorp Genetics (formerly Invitae), Labcorp
Classification: Pathogenic for Aniridia 1; Irido-corneo-trabecular dysgenesis. Last evaluated: 2019-11-16. Review status: criteria provided, single submitter. Criteria: Invitae Variant Classification Sherloc (09022015). Collection method: clinical testing. Allele origin: germline.
Comment: This variant is not present in population databases (ExAC no frequency). For these reasons, this variant has been classified as Pathogenic. Loss-of-function variants in PAX6 are known to be pathogenic (PMID: 12634864). Algorithms developed to predict the effect of sequence changes on RNA splicing suggest that this variant may create or strengthen a splice site, but this prediction has not been confirmed by published transcriptional studies. This variant has not been reported in the literature in individuals with PAX6-related conditions. This sequence change creates a premature translational stop signal (p.Pro164Aspfs*34) in the PAX6 gene. It is expected to result in an absent or disrupted protein product.

Literature cited by the submitters: PubMed 12634864.

NM_001368894.2(PAX6):c.532_536del (p.Pro178fs)

Gene: PAX6 (paired box 6; minus strand). Cytogenetic location: 11p13.
Variant type: Deletion.
Coding change: c.532_536del on transcript NM_001368894.2 (MANE Select); coding-DNA positions 532 to 536, 5 bases deleted (CCGGG; older notation c.532_536delCCGGG).
Protein change: p.Pro178fs; shifts the reading frame from proline 178.
Molecular consequence: frameshift variant. On other transcripts: non-coding transcript variant (2).
Genome position (GRCh38, 1-based): chr11:31,800,720-31,800,724, CCCGG deleted on the plus strand (CCGGG on the coding strand, the reverse complement: PAX6 is on the minus strand). VCF-style (leftmost placement, unchanged base first): chr11-31800719-CCCCGG-C. GRCh37 (hg19) VCF-style: chr11-31822267-CCCCGG-C.
Other names: c.490_494del, p.Pro164fs (NM_000280.6, NM_001127612.3, NM_001258464.2 and 10 more transcripts); c.532_536del, p.Pro178fs (NM_001258462.3, NM_001258463.2, NM_001310158.2 and 6 more transcripts); c.82_86del, p.Pro28fs (NM_001310160.2, NM_001310161.3, NM_001368899.2 and 11 more transcripts); c.733_737del, p.Pro245fs (NM_001368910.2); c.535_539del, p.Pro179fs (NM_001368911.2); c.607_611del, p.Pro203fs (NM_001368918.2, NM_001368919.2); c.565_569del, p.Pro189fs (NM_001368920.2); c.331_335del, p.Pro111fs (NM_001368921.2, NM_001368922.2, NM_001368923.2 and 4 more transcripts); and 1 more; short protein forms P111fs, P164fs, P245fs, P97fs, P178fs, P189fs, P179fs, P203fs.
Identifiers: ClinVar variation 965257 (VCV000965257.7), dbSNP rs1953470546, ClinGen allele CA1139661884.